The following is an entry in ClinVar:

ClinVar aggregate classification (germline): Uncertain significance (1 of 4 stars; one submission).

Conditions:
TRPV4-related disorder. Also called: TRPV4-related disorders; TRPV4-related condition.

gnomAD v4.1: 7 of 1,613,780 alleles (0.00043%); highest among the groups gnomAD compares: Non-Finnish European, 0.00059%; no homozygotes.

Submission:

PreventionGenetics, part of Exact Sciences
Classification: Uncertain significance for TRPV4-related condition. Last evaluated: 2024-10-29. Review status: criteria provided, single submitter. Criteria: ACMG Guidelines, 2015. Collection method: clinical testing. Allele origin: germline.
Comment: The TRPV4 c.1434C>A variant is predicted to result in premature protein termination (p.Tyr478*). To our knowledge, this variant has not been reported in the literature. This variant is reported in 0.0015% of alleles in individuals of European (Non-Finnish) descent in gnomAD. At this time, the clinical significance of this variant is uncertain due to the absence of conclusive functional and genetic evidence.

NM_021625.5(TRPV4):c.1434C>A (p.Tyr478Ter)

Gene: TRPV4 (transient receptor potential cation channel subfamily V member 4; minus strand). Cytogenetic location: 12q24.11.
Variant type: single nucleotide variant.
Coding change: c.1434C>A on transcript NM_021625.5 (MANE Select); coding-DNA position 1434, C replaced by A.
Protein change: p.Tyr478Ter; replaces tyrosine 478 with a stop codon.
Molecular consequence: nonsense.
Genome position (GRCh38, 1-based): chr12:109,794,386, G>T on the plus strand (C>A on the coding strand, the complement: TRPV4 is on the minus strand). VCF-style: chr12-109794386-G-T. GRCh37 (hg19) VCF-style: chr12-110232191-G-T.
Other names: c.1293C>A, p.Tyr431Ter (NM_001177428.2); c.1332C>A, p.Tyr444Ter (NM_001177431.2); c.1113C>A, p.Tyr371Ter (NM_001177433.2); c.1254C>A, p.Tyr418Ter (NM_147204.3); short protein forms Y431*, Y478*, Y444*, Y371*, Y418*.
Identifiers: ClinVar variation 4998440 (VCV004998440.1).